The following is an entry in ClinVar:

ClinVar aggregate classification (germline): Uncertain significance (1 of 4 stars; one submission).

Submission:

Labcorp Genetics (formerly Invitae), Labcorp
Classification: Uncertain significance. Last evaluated: 2023-06-21. Review status: criteria provided, single submitter. Criteria: Invitae Variant Classification Sherloc (09022015). Collection method: clinical testing. Allele origin: germline.
Comment: This variant has not been reported in the literature in individuals affected with KMT2A-related conditions. In summary, the available evidence is currently insufficient to determine the role of this variant in disease. Therefore, it has been classified as a Variant of Uncertain Significance. Advanced modeling of protein sequence and biophysical properties (such as structural, functional, and spatial information, amino acid conservation, physicochemical variation, residue mobility, and thermodynamic stability) performed at Invitae indicates that this missense variant is not expected to disrupt KMT2A protein function. This variant is not present in population databases (gnomAD no frequency). This sequence change replaces alanine, which is neutral and non-polar, with threonine, which is neutral and polar, at codon 2296 of the KMT2A protein (p.Ala2296Thr).

NM_001197104.2(KMT2A):c.6886G>A (p.Ala2296Thr)

Gene: KMT2A (lysine methyltransferase 2A; plus strand). Cytogenetic location: 11q23.3.
Variant type: single nucleotide variant.
Coding change: c.6886G>A on transcript NM_001197104.2 (MANE Select); coding-DNA position 6886, G replaced by A.
Protein change: p.Ala2296Thr; replaces alanine 2296 with threonine.
Molecular consequence: missense variant.
Genome position (GRCh38, 1-based): chr11:118,502,778, G>A. VCF-style: chr11-118502778-G-A. GRCh37 (hg19) VCF-style: chr11-118373493-G-A.
Other names: c.6976G>A, p.Ala2326Thr (NM_001412597.1); c.6877G>A, p.Ala2293Thr (NM_005933.4); short protein forms A2326T, A2293T, A2296T.
Identifiers: ClinVar variation 2720521 (VCV002720521.3), dbSNP rs2496992076, ClinGen allele CA382803374.
Genomic context (GRCh38, chr11:118,502,778, plus strand): 5'-GTAGGCAATAAAAACAGTCACTTGGATGGATCTTCATCTTCAGAAATGAAGCAGTCCAGT[G>A]CTTCAGACTTGGTGTCCAAGAGCTCCTCTTTAAAGGGAGAGAAGACCAAAGTGCTGAGTT-3'
Protein context (NP_001184033.1, residues 2286-2306): SSSSEMKQSS[Ala2296Thr]SDLVSKSSSL